The following is an entry in ClinVar:

NC_000016.10:g.(?_88826682)_(88826858_?)del

Gene: GALNS (galactosamine (N-acetyl)-6-sulfatase; minus strand). Cytogenetic location: 16q24.3.
Variant type: Deletion.
Identifiers: ClinVar variation 830431 (VCV000830431.6).

ClinVar aggregate classification (germline): Pathogenic (1 of 4 stars; one submission).

Conditions:
Mucopolysaccharidosis, MPS-IV-A (MPS4A). Also called: MPS IVA; mucopolysaccharidosis type 4A; Mucopolysaccharidosis type IV A; Morquio syndrome A, mild; MORQUIO SYNDROME A; GALACTOSAMINE-6-SULFATASE DEFICIENCY. Identifiers: Orphanet 309297, Orphanet 582, MedGen C0086651, MONDO:0009659, OMIM 253000.

Submission:

Labcorp Genetics (formerly Invitae), Labcorp
Classification: Pathogenic for Mucopolysaccharidosis, MPS-IV-A. Last evaluated: 2019-07-02. Review status: criteria provided, single submitter. Criteria: Invitae Variant Classification Sherloc (09022015). Collection method: clinical testing. Allele origin: germline.
Comment: For these reasons, this variant has been classified as Pathogenic. Loss-of-function variants in GALNS are known to be pathogenic (PMID: 12442278). This variant has not been reported in the literature in individuals with GALNS-related conditions. This variant is an out-of-frame deletion of the genomic region encompassing exon 10 of the GALNS gene. This is expected to create a premature translational stop signal and result in an absent or disrupted protein product.

Literature cited by the submitters: PubMed 12442278.